The following is an entry in ClinVar:

ClinVar aggregate classification (germline): Uncertain significance (1 of 4 stars; one submission).

Conditions:
Cardiovascular phenotype. Identifiers: MedGen CN230736.

Allele frequency attached by ClinVar (database versions not stated): TOPMed below 0.00001; gnomAD 0.00001.
gnomAD v4.1: 5 of 1,613,840 alleles (0.00031%); highest among the groups gnomAD compares: Non-Finnish European, 0.00042%; no homozygotes.

Submission:

Ambry Genetics
Classification: Uncertain significance for Cardiovascular phenotype. Last evaluated: 2024-05-21. Review status: criteria provided, single submitter. Criteria: Ambry Variant Classification Scheme 2023. Collection method: clinical testing. Allele origin: germline.
Comment: The p.M229L variant (also known as c.685A>C), located in coding exon 6 of the NEXN gene, results from an A to C substitution at nucleotide position 685. The methionine at codon 229 is replaced by leucine, an amino acid with highly similar properties. This amino acid position is well conserved in available vertebrate species. In addition, this alteration is predicted to be tolerated by in silico analysis. Since supporting evidence is limited at this time, the clinical significance of this alteration remains unclear.

NM_144573.4(NEXN):c.685A>C (p.Met229Leu)

Gene: NEXN (nexilin F-actin binding protein; plus strand). Cytogenetic location: 1p31.1.
Variant type: single nucleotide variant.
Coding change: c.685A>C on transcript NM_144573.4 (MANE Select); coding-DNA position 685, A replaced by C.
Protein change: p.Met229Leu; replaces methionine 229 with leucine.
Molecular consequence: missense variant.
Genome position (GRCh38, 1-based): chr1:77,926,609, A>C. VCF-style: chr1-77926609-A-C. GRCh37 (hg19) VCF-style: chr1-78392294-A-C.
Other names: c.493A>C, p.Met165Leu (NM_001172309.2); short protein forms M165L, M229L.
Identifiers: ClinVar variation 1755820 (VCV001755820.3), dbSNP rs1179163117, ClinGen allele CA340873298.
Genomic context (GRCh38, chr1:77,926,609, plus strand): 5'-AGAATAAGATATGAAGAACAACGACCATCTCTCAAGGAAGCAAAGTGTCTTTCATTAGTT[A>C]TGGTAAATTTTTGTTTGTTTGTTTTCTAAGAAACAAATCAAGGCAGTTTAAGTTAGCAGC-3'
Protein context (NP_653174.3, residues 219-239): LKEAKCLSLV[Met229Leu]DDEIESEAKK